The following is an entry in ClinVar:

ClinVar aggregate classification (germline): Uncertain significance (1 of 4 stars; one submission).

Conditions:
Neurofibromatosis, type 1 (NF1). Also called: NEUROFIBROMATOSIS, TYPE I, SOMATIC; Peripheral type neurofibromatosis; VON RECKLINGHAUSEN DISEASE; Neurofibromatosis, type I. Identifiers: Orphanet 636, MedGen C0027831, MONDO:0018975, OMIM 162200. Disease mechanism: loss of function.

Submission:

Labcorp Genetics (formerly Invitae), Labcorp
Classification: Uncertain significance for Neurofibromatosis, type 1. Last evaluated: 2020-06-16. Review status: criteria provided, single submitter. Criteria: Invitae Variant Classification Sherloc (09022015). Collection method: clinical testing. Allele origin: germline.
Comment: In summary, the available evidence is currently insufficient to determine the role of this variant in disease. Therefore, it has been classified as a Variant of Uncertain Significance. Algorithms developed to predict the effect of missense changes on protein structure and function are either unavailable or do not agree on the potential impact of this missense change (SIFT: "Deleterious"; PolyPhen-2: "Probably Damaging"; Align-GVGD: "Class C0"). This variant has not been reported in the literature in individuals with NF1-related conditions. This variant is not present in population databases (ExAC no frequency). This sequence change replaces isoleucine with threonine at codon 1994 of the NF1 protein (p.Ile1994Thr). The isoleucine residue is moderately conserved and there is a moderate physicochemical difference between isoleucine and threonine.

NM_001042492.3(NF1):c.6044T>C (p.Ile2015Thr)

Gene: NF1 (neurofibromin 1; plus strand). Cytogenetic location: 17q11.2.
Variant type: single nucleotide variant.
Coding change: c.6044T>C on transcript NM_001042492.3 (MANE Select); coding-DNA position 6044, T replaced by C.
Protein change: p.Ile2015Thr; replaces isoleucine 2015 with threonine.
Molecular consequence: missense variant.
Genome position (GRCh38, 1-based): chr17:31,336,370, T>C. VCF-style: chr17-31336370-T-C. GRCh37 (hg19) VCF-style: chr17-29663388-T-C.
Other names: c.5981T>C, p.Ile1994Thr (NM_000267.4); short protein forms I1994T, I2015T.
Identifiers: ClinVar variation 1005000 (VCV001005000.5), dbSNP rs2069669370, ClinGen allele CA399011074.